The following is an entry in ClinVar:

ClinVar aggregate classification (germline): Likely benign. Review status: criteria provided, multiple submitters, no conflicts (2 of 4 stars). 2 submissions from 2 submitters: Likely benign (2). Last evaluated 2025-01-28.

Conditions:
LYST-related disorder. Also called: LYST-related condition.
Chédiak-Higashi syndrome (CHS). Also called: Chediak-Higashi Syndrome. Identifiers: Orphanet 167, MedGen C0007965, MONDO:0008963, OMIM 214500.

Allele frequency attached by ClinVar (database versions not stated): gnomAD exomes below 0.00001; ExAC 0.00001.
gnomAD v4.1: 5 of 1,612,266 alleles (0.00031%); highest among the groups gnomAD compares: South Asian, 0.0022%; no homozygotes.

Submissions (2):

PreventionGenetics, part of Exact Sciences
Classification: Likely benign for LYST-related condition. Last evaluated: 2025-01-28. Review status: criteria provided, single submitter. Criteria: ACMG Guidelines, 2015. Collection method: clinical testing. Allele origin: germline.
Comment: This variant is classified as likely benign based on ACMG/AMP sequence variant interpretation guidelines (Richards et al. 2015 PMID: 25741868, with internal and published modifications).

Labcorp Genetics (formerly Invitae), Labcorp
Classification: Likely benign for Chédiak-Higashi syndrome. Last evaluated: 2024-01-02. Review status: criteria provided, single submitter. Criteria: Invitae Variant Classification Sherloc (09022015). Collection method: clinical testing. Allele origin: germline.

NM_000081.4(LYST):c.8355A>G (p.Leu2785=)

Gene: LYST (lysosomal trafficking regulator; minus strand). Cytogenetic location: 1q42.3.
Variant type: single nucleotide variant.
Coding change: c.8355A>G on transcript NM_000081.4 (MANE Select); coding-DNA position 8355, A replaced by G.
Protein change: p.Leu2785=; no amino-acid change (leucine 2785 retained).
Molecular consequence: synonymous variant.
Genome position (GRCh38, 1-based): chr1:235,741,425, T>C on the plus strand (A>G on the coding strand, the complement: LYST is on the minus strand). VCF-style: chr1-235741425-T-C. GRCh37 (hg19) VCF-style: chr1-235904725-T-C.
Other names: c.8355A>G, p.Leu2785= (NM_001301365.1); c.8355A>G (NM_000081.3).
Identifiers: ClinVar variation 1093900 (VCV001093900.8), dbSNP rs777288565, ClinGen allele CA1465908.
Genomic context (GRCh38, chr1:235,741,425, plus strand): 5'-TCAGACTTTGTATTTCACCAAACGTTTTACTTCTCTTATCAAAGCTGAGATACTTACTTG[T>C]AGGGATGGGCTGAGACAGTCTCGTAGTATTTCCTGATGATTTGGTTCATGAACTATTTCA-3'
Protein context (NP_000072.2, residues 2775-2795): EILRDCLSPS[Leu2785=]QHGAKLVLYL